The following is an entry in ClinVar:

NM_001370658.1(BTD):c.400-2A>G

Gene: BTD (biotinidase; plus strand). Cytogenetic location: 3p25.1.
Variant type: single nucleotide variant.
Coding change: c.400-2A>G on transcript NM_001370658.1 (MANE Select); the canonical splice acceptor site of the intron before coding-DNA position 400, A replaced by G.
Molecular consequence: splice acceptor variant. On other transcripts: intron variant (6).
Genome position (GRCh38, 1-based): chr3:15,644,314, A>G. VCF-style: chr3-15644314-A-G. GRCh37 (hg19) VCF-style: chr3-15685821-A-G.
Other names: c.400-2A>G (NM_001407365.1, NM_001370752.1, NM_001407366.1 and 18 more transcripts); c.399+2257A>G (NM_001370753.1, NM_001407400.1, NM_001407380.1 and 3 more transcripts).
Identifiers: ClinVar variation 619668 (VCV000619668.4), dbSNP rs904882409, ClinGen allele CA70621386.
Genomic context (GRCh38, chr3:15,644,314, plus strand): 5'-CCTCCCACAGTGCTGGGATTACAGGCAAAAACCTCATTTATTTACACCTTTTTTTCCTCT[A>G]GGTGCTCCAGCGCCTGAGTTGTATGGCCATCAGGGGAGATATGTTCTTGGTGGCCAATCT-3'

ClinVar aggregate classification (germline): Likely pathogenic. Review status: criteria provided, multiple submitters, no conflicts (2 of 4 stars). 2 submissions from 2 submitters: Likely pathogenic (2). Last evaluated 2026-01-13.

Conditions:
Biotinidase deficiency. Also called: Biotin deficiency; BTD deficiency; Late-onset biotin-responsive multiple carboxylase deficiency. Identifiers: Orphanet 79241, MedGen C0220754, MONDO:0009665, OMIM 253260.

Allele frequency attached by ClinVar (database versions not stated): gnomAD exomes below 0.00001.
gnomAD v4.1: 1 of 1,613,142 alleles (0.000062%); highest among the groups gnomAD compares: African/African-American, 0.0013%; no homozygotes.

Submissions (2):

Labcorp Genetics (formerly Invitae), Labcorp
Classification: Likely pathogenic for Biotinidase deficiency. Last evaluated: 2026-01-13. Review status: criteria provided, single submitter. Criteria: Invitae Variant Classification Sherloc (09022015). Collection method: clinical testing. Allele origin: germline.
Comment: This sequence change affects an acceptor splice site in intron 3 of the BTD gene. While this variant is not anticipated to result in nonsense mediated decay, it likely alters RNA splicing and results in a disrupted protein product. This variant is not present in population databases (gnomAD no frequency). Disruption of this splice site has been observed in individual(s) with biotinidase deficiency (PMID: 35195902, 38299772). ClinVar contains an entry for this variant (Variation ID: 619668). Variants that disrupt the consensus splice site are a relatively common cause of aberrant splicing (PMID: 17576681, 9536098). Algorithms developed to predict the effect of sequence changes on RNA splicing suggest that this variant may disrupt the consensus splice site. In summary, the currently available evidence indicates that the variant is pathogenic, but additional data are needed to prove that conclusively. Therefore, this variant has been classified as Likely Pathogenic.

Quest Diagnostics Nichols Institute San Juan Capistrano
Classification: Likely pathogenic. Last evaluated: 2018-05-16. Review status: criteria provided, single submitter. Criteria: Quest Diagnostics criteria. Collection method: clinical testing. Allele origin: germline.

Literature cited by the submitters: PubMed 35195902 (cited by Labcorp Genetics (formerly Invitae), Labcorp); PubMed 38299772 (cited by Labcorp Genetics (formerly Invitae), Labcorp); PubMed 17576681 (cited by Labcorp Genetics (formerly Invitae), Labcorp); PubMed 9536098 (cited by Labcorp Genetics (formerly Invitae), Labcorp).